The following is an entry in ClinVar:

ClinVar aggregate classification (germline): Uncertain significance. Review status: criteria provided, multiple submitters, no conflicts (2 of 4 stars). 2 submissions from 2 submitters: Uncertain significance (2). Last evaluated 2023-06-06.

Conditions:
Inborn genetic diseases. Identifiers: MedGen C0950123, MeSH D030342.

gnomAD v4.1: 33 of 1,614,092 alleles (0.002%); highest among the groups gnomAD compares: Non-Finnish European, 0.0024%; no homozygotes.

Submissions (2):

Ambry Genetics
Classification: Uncertain significance for Inborn genetic diseases. Last evaluated: 2023-06-06. Review status: criteria provided, single submitter. Criteria: Ambry Variant Classification Scheme 2023. Collection method: clinical testing. Allele origin: germline.

Labcorp Genetics (formerly Invitae), Labcorp
Classification: Uncertain significance. Last evaluated: 2022-07-21. Review status: criteria provided, single submitter. Criteria: Invitae Variant Classification Sherloc (09022015). Collection method: clinical testing. Allele origin: germline.
Comment: This sequence change replaces arginine, which is basic and polar, with cysteine, which is neutral and slightly polar, at codon 173 of the PUS3 protein (p.Arg173Cys). This variant is present in population databases (rs370082947, gnomAD 0.002%). This variant has not been reported in the literature in individuals affected with PUS3-related conditions. Algorithms developed to predict the effect of missense changes on protein structure and function (SIFT, PolyPhen-2, Align-GVGD) all suggest that this variant is likely to be disruptive. In summary, the available evidence is currently insufficient to determine the role of this variant in disease. Therefore, it has been classified as a Variant of Uncertain Significance.

NM_031307.4(PUS3):c.517C>T (p.Arg173Cys)

Genes: HYLS1 (HYLS1 centriolar and ciliogenesis associated; plus strand), PUS3 (pseudouridine synthase 3; minus strand). Cytogenetic location: 11q24.2.
Variant type: single nucleotide variant.
Coding change: c.517C>T on transcript NM_031307.4 (MANE Select); coding-DNA position 517, C replaced by T.
Protein change: p.Arg173Cys; replaces arginine 173 with cysteine.
Molecular consequence: missense variant. On other transcripts: 5 prime UTR variant (1), intron variant (5).
Genome position (GRCh38, 1-based): chr11:125,895,651, G>A on the plus strand (C>T on the coding strand, the complement: PUS3 is on the minus strand). VCF-style: chr11-125895651-G-A. GRCh37 (hg19) VCF-style: chr11-125765546-G-A.
Other names: c.-108C>T (NM_001271985.2); c.-80-3453G>A (NM_145014.3); c.-25-3693G>A (NM_001134793.2, NM_001377269.1); c.-22-3696G>A (NM_001424364.1, NM_001377270.1); short protein forms R173C.
Identifiers: ClinVar variation 2184804 (VCV002184804.4), dbSNP rs370082947, ClinGen allele CA6350501.
Genomic context (GRCh38, chr11:125,895,651, plus strand): 5'-GCTCAAGGCAGCTGAACCTAGCACTGAAGCTTGGTTCTACAGGGGCCCAGGCCAATATAC[G>A]GATGTCTGGAGGGAGTACCCGATTGAGAATGTGGGTATAACGGATCTCTTCAGCAGCAGC-3'
Protein context (NP_112597.4, residues 163-183): ILNRVLPPDI[Arg173Cys]ILAWAPVEPS